The following is an entry in ClinVar:

ClinVar aggregate classification (germline): Benign (1 of 4 stars; one submission).

Conditions:
Seizures, benign familial neonatal, 2. Also called: CONVULSIONS, BENIGN FAMILIAL NEONATAL, 2; KCNQ3-Related Self-Limited Familial Neonatal Epilepsy (SLFNE); Benign Neonatal Epilepsy 2; KCNQ3-Related Benign Familial Neonatal Epilepsy; Seizures, benign neonatal, 2. Identifiers: Orphanet 1949, MedGen C1852581, MONDO:0007366, OMIM 121201.

Allele frequency attached by ClinVar (database versions not stated): gnomAD 0.00087 and 0.00114; 1000 Genomes Project 30x 0.00422; 1000 Genomes Project 0.00459; TOPMed 0.00135.

Submission:

Illumina Laboratory Services, Illumina
Classification: Benign for Seizures, benign familial neonatal, 2. Last evaluated: 2018-01-12. Review status: criteria provided, single submitter. Criteria: ICSL Variant Classification Criteria 13 December 2019. Collection method: clinical testing. Allele origin: germline.
Comment: This variant was observed in the ICSL laboratory as part of a predisposition screen in an ostensibly healthy population. It had not been previously curated by ICSL or reported in the Human Gene Mutation Database (HGMD: prior to June 1st, 2018), and was therefore a candidate for classification through an automated scoring system. Utilizing variant allele frequency, disease prevalence and penetrance estimates, and inheritance mode, an automated score was calculated to assess if this variant is too frequent to cause the disease. Based on the score and internal cut-off values, a variant classified as benign is not then subjected to further curation. The score for this variant resulted in a classification of benign for this disease.

NM_004519.4(KCNQ3):c.*1159G>A

Gene: KCNQ3 (potassium voltage-gated channel subfamily Q member 3; minus strand). Cytogenetic location: 8q24.22.
Variant type: single nucleotide variant.
Coding change: c.*1159G>A on transcript NM_004519.4 (MANE Select); 1159 bases downstream of the stop codon, G replaced by A.
Molecular consequence: 3 prime UTR variant.
Genome position (GRCh38, 1-based): chr8:132,128,103, C>T on the plus strand (G>A on the coding strand, the complement: KCNQ3 is on the minus strand). VCF-style: chr8-132128103-C-T. GRCh37 (hg19) VCF-style: chr8-133140350-C-T.
Other names: c.*1159G>A (NM_001204824.2).
Identifiers: ClinVar variation 361854 (VCV000361854.6), dbSNP rs117218884, ClinGen allele CA10630250.